The following is an entry in ClinVar:

ClinVar aggregate classification (germline): Uncertain significance (1 of 4 stars; one submission).

gnomAD v4.1: 28 of 1,613,670 alleles (0.0017%); highest among the groups gnomAD compares: Admixed American, 0.03%; no homozygotes.

Submission:

Mayo Clinic Laboratories, Mayo Clinic
Classification: Uncertain significance. Last evaluated: 2023-08-15. Review status: criteria provided, single submitter. Criteria: ACMG Guidelines, 2015. Collection method: clinical testing. Allele origin: germline. Observed: 1 variant allele.
Comment: PM2_moderate

NM_001376013.1(EPB41):c.1122C>T (p.Tyr374=)

Gene: EPB41 (erythrocyte membrane protein band 4.1; plus strand). Cytogenetic location: 1p35.3.
Variant type: single nucleotide variant.
Coding change: c.1122C>T on transcript NM_001376013.1 (MANE Select); coding-DNA position 1122, C replaced by T.
Protein change: p.Tyr374=; no amino-acid change (tyrosine 374 retained).
Molecular consequence: synonymous variant.
Genome position (GRCh38, 1-based): chr1:29,018,440, C>T. VCF-style: chr1-29018440-C-T. GRCh37 (hg19) VCF-style: chr1-29344952-C-T.
Other names: p.Tyr374=; c.1122C>T, p.Tyr374= (NM_001166005.2, NM_001166006.2, NM_001376014.1 and 7 more transcripts); c.495C>T, p.Tyr165= (NM_001166007.2, NM_001376022.1, NM_001376023.1 and 7 more transcripts); c.1017C>T, p.Tyr339= (NM_203343.3).
Identifiers: ClinVar variation 3379535 (VCV003379535.1).